The following is an entry in ClinVar:

ClinVar aggregate classification (germline): Uncertain significance (1 of 4 stars; one submission).

Conditions:
Congenital heart disease (CHD). Identifiers: MedGen C0152021, MONDO:0005453. Disease mechanism: unknown.

Submission:

Embryology Laboratory, Victor Chang Cardiac Research Institute
Classification: Uncertain significance for Congenital heart disease. Last evaluated: 2025-08-12. Review status: criteria provided, single submitter. Criteria: ACMG Guidelines, 2015. Collection method: research. Allele origin: unknown. Inheritance: Autosomal unknown. Affected: yes. Observed: 1 variant allele.
Comment: The c.433C>G (p.Thr148Ser) variant is absent from gnomAD database and occurs within the G8 functional domain of CEMIP2. CEMIP2 and Congenital heart disease are not a known gene/disease relationship, the variant is therefore classified as VUS.

NM_013390.3(CEMIP2):c.443C>G (p.Thr148Ser)

Gene: CEMIP2 (cell migration inducing hyaluronidase 2; minus strand). Cytogenetic location: 9q21.13.
Variant type: single nucleotide variant.
Coding change: c.443C>G on transcript NM_013390.3 (MANE Select); coding-DNA position 443, C replaced by G.
Protein change: p.Thr148Ser; replaces threonine 148 with serine.
Molecular consequence: missense variant. On other transcripts: 5 prime UTR variant (1).
Genome position (GRCh38, 1-based): chr9:71,746,230, G>C on the plus strand (C>G on the coding strand, the complement: CEMIP2 is on the minus strand). VCF-style: chr9-71746230-G-C. GRCh37 (hg19) VCF-style: chr9-74361146-G-C.
Other names: c.443C>G, p.Thr148Ser (NM_001135820.2); c.-1438C>G (NM_001349784.2); short protein forms T148S.
Identifiers: ClinVar variation 4075823 (VCV004075823.1).